The following is an entry in ClinVar:

NM_000492.4(CFTR):c.1583A>G (p.Glu528Gly)

Genes: CFTR (CF transmembrane conductance regulator; plus strand), CFTR-AS1 (CFTR antisense RNA 1; minus strand). Cytogenetic location: 7q31.2.
Variant type: single nucleotide variant.
Coding change: c.1583A>G on transcript NM_000492.4 (MANE Select); coding-DNA position 1583, A replaced by G.
Protein change: p.Glu528Gly; replaces glutamic acid 528 with glycine.
Molecular consequence: missense variant.
Genome position (GRCh38, 1-based): chr7:117,559,654, A>G. VCF-style: chr7-117559654-A-G. GRCh37 (hg19) VCF-style: chr7-117199708-A-G.
Other names: short protein forms E528G.
Identifiers: ClinVar variation 633168 (VCV000633168.1), dbSNP rs1562898548, ClinGen allele CA368985058.

ClinVar aggregate classification (germline): Uncertain significance (1 of 4 stars; one submission).

Submission:

Women's Health and Genetics/Laboratory Corporation of America, LabCorp
Classification: Uncertain significance. Last evaluated: 2017-12-14. Review status: criteria provided, single submitter. Criteria: LabCorp Variant Classification Summary - May 2015. Collection method: clinical testing. Allele origin: germline.
Comment: Variant summary: The CFTR c.1583A>G (p.Glu528Gly) variant is located in the ABC transporter-like (IPR003439) and the AAA+ ATPase domain (IPR003593) (InterPro) and involves the alteration of a conserved nucleotide. 5/5 in silico tools predict a damaging outcome for this variant. This variant is absent in 245500 control chromosomes in gnomAD. The variant of interest has not, to our knowledge, been reported in affected individuals via publications and/or reputable databases/clinical diagnostic laboratories; nor evaluated for functional impact by in vivo/vitro studies. Because of the absence of clinical information and the lack of functional studies, the variant is classified as a variant of uncertain significance (VUS).